The following is an entry in ClinVar:

ClinVar aggregate classification (germline): Likely benign. Review status: criteria provided, multiple submitters, no conflicts (2 of 4 stars). 2 submissions from 2 submitters: Likely benign (2). Last evaluated 2025-11-15.

Conditions:
COL18A1-related disorder. Also called: COL18A1-related disorders; COL18A1-related condition.

gnomAD v4.1: 43 of 1,613,468 alleles (0.0027%); highest among the groups gnomAD compares: Non-Finnish European, 0.0032%; no homozygotes.

Submissions (5):

Labcorp Genetics (formerly Invitae), Labcorp
Classification: Likely benign. Last evaluated: 2025-11-15. Review status: criteria provided, single submitter. Criteria: Invitae Variant Classification Sherloc (09022015). Collection method: clinical testing. Allele origin: germline.

PreventionGenetics, part of Exact Sciences
Classification: Likely benign for COL18A1-related condition. Last evaluated: 2025-08-15. Review status: criteria provided, single submitter. Criteria: ACMG Guidelines, 2015. Collection method: clinical testing. Allele origin: germline.
Comment: This variant is classified as likely benign based on ACMG/AMP sequence variant interpretation guidelines (Richards et al. 2015 PMID: 25741868, with internal and published modifications).

Dr. Peter K. Rogan Lab, Western University
No classification provided (evidence only). Condition: Thyroid cancer, nonmedullary, 1. Review status: no classification provided. Collection method: in vitro. Allele origin: not applicable. Functional consequence: retained intron. Not counted in ClinVar's aggregate classification.

Dr. Peter K. Rogan Lab, Western University
No classification provided (evidence only). Condition: Nonpapillary renal cell carcinoma. Review status: no classification provided. Collection method: in vitro. Allele origin: not applicable. Functional consequence: retained intron. Not counted in ClinVar's aggregate classification.

Dr. Peter K. Rogan Lab, Western University
No classification provided (evidence only). Condition: Ovarian serous cystadenocarcinoma. Review status: no classification provided. Collection method: in vitro. Allele origin: not applicable. Functional consequence: retained intron. Not counted in ClinVar's aggregate classification.

NM_001379500.1(COL18A1):c.1305C>T (p.Gly435=)

Gene: COL18A1 (collagen type XVIII alpha 1 chain; plus strand). Cytogenetic location: 21q22.3.
Variant type: single nucleotide variant.
Coding change: c.1305C>T on transcript NM_001379500.1 (MANE Select); coding-DNA position 1305, C replaced by T.
Protein change: p.Gly435=; no amino-acid change (glycine 435 retained).
Molecular consequence: synonymous variant.
Genome position (GRCh38, 1-based): chr21:45,479,958, C>T. VCF-style: chr21-45479958-C-T. GRCh37 (hg19) VCF-style: chr21-46899872-C-T.
Other names: c.1845C>T, p.Gly615= (NM_030582.4); c.2550C>T, p.Gly850= (NM_130444.3); c.1845C>T (NM_030582.3).
Identifiers: ClinVar variation 1613106 (VCV001613106.10), dbSNP rs1131102, ClinGen allele CA10066227.